The following is an entry in ClinVar:

NM_003803.4(MYOM1):c.1691T>G (p.Val564Gly)

Gene: MYOM1 (myomesin 1; minus strand). Cytogenetic location: 18p11.31.
Variant type: single nucleotide variant.
Coding change: c.1691T>G on transcript NM_003803.4 (MANE Select); coding-DNA position 1691, T replaced by G.
Protein change: p.Val564Gly; replaces valine 564 with glycine.
Molecular consequence: missense variant.
Genome position (GRCh38, 1-based): chr18:3,151,846, A>C on the plus strand (T>G on the coding strand, the complement: MYOM1 is on the minus strand). VCF-style: chr18-3151846-A-C. GRCh37 (hg19) VCF-style: chr18-3151844-A-C.
Other names: c.1691T>G, p.Val564Gly (NM_019856.2); short protein forms V564G.
Identifiers: ClinVar variation 1778146 (VCV001778146.2), dbSNP rs2510669287, ClinGen allele CA401714299.

ClinVar aggregate classification (germline): Uncertain significance (1 of 4 stars; one submission).

Allele frequency attached by ClinVar (database versions not stated): gnomAD exomes below 0.00001.
gnomAD v4.1: 1 of 1,613,654 alleles (0.000062%); highest among the groups gnomAD compares: Non-Finnish European, 0.000085%; no homozygotes.

Submission:

Ambry Genetics
Classification: Uncertain significance. Last evaluated: 2022-03-17. Review status: criteria provided, single submitter. Criteria: Ambry Variant Classification Scheme 2023. Collection method: clinical testing. Allele origin: germline.
Comment: The p.V564G variant (also known as c.1691T>G), located in coding exon 11 of the MYOM1 gene, results from a T to G substitution at nucleotide position 1691. The valine at codon 564 is replaced by glycine, an amino acid with dissimilar properties. This amino acid position is conserved. In addition, this alteration is predicted to be deleterious by in silico analysis. Since supporting evidence is limited at this time, the clinical significance of this alteration remains unclear.